The following is an entry in ClinVar:

ClinVar aggregate classification (germline): Likely benign (1 of 4 stars; one submission).

Conditions:
MYH14-related disorder. Also called: MYH14-related condition.

gnomAD v4.1: 5 of 1,533,674 alleles (0.00033%); highest among the groups gnomAD compares: Middle Eastern, 0.046%; no homozygotes.

Submission:

PreventionGenetics, part of Exact Sciences
Classification: Likely benign for MYH14-related condition. Last evaluated: 2024-11-22. Review status: criteria provided, single submitter. Criteria: ACMG Guidelines, 2015. Collection method: clinical testing. Allele origin: germline.
Comment: This variant is classified as likely benign based on ACMG/AMP sequence variant interpretation guidelines (Richards et al. 2015 PMID: 25741868, with internal and published modifications).

NM_001145809.2(MYH14):c.4290+3G>A

Gene: MYH14 (myosin heavy chain 14; plus strand). Cytogenetic location: 19q13.33.
Variant type: single nucleotide variant.
Coding change: c.4290+3G>A on transcript NM_001145809.2 (MANE Select); 3 bases into the intron after coding-DNA position 4290, G replaced by A.
Molecular consequence: intron variant.
Genome position (GRCh38, 1-based): chr19:50,280,386, G>A. VCF-style: chr19-50280386-G-A. GRCh37 (hg19) VCF-style: chr19-50783643-G-A.
Other names: c.4191+3G>A (NM_001077186.2); c.4167+3G>A (NM_024729.4).
Identifiers: ClinVar variation 4980757 (VCV004980757.1).